The following is an entry in ClinVar:

ClinVar aggregate classification (germline): Uncertain significance (1 of 4 stars; one submission).

Allele frequency attached by ClinVar (database versions not stated): gnomAD exomes below 0.00001.
gnomAD v4.1: 6 of 1,612,588 alleles (0.00037%); highest among the groups gnomAD compares: East Asian, 0.0022%; no homozygotes.

Submission:

Labcorp Genetics (formerly Invitae), Labcorp
Classification: Uncertain significance. Last evaluated: 2025-01-01. Review status: criteria provided, single submitter. Criteria: Invitae Variant Classification Sherloc (09022015). Collection method: clinical testing. Allele origin: germline.
Comment: This sequence change replaces tyrosine, which is neutral and polar, with histidine, which is basic and polar, at codon 3853 of the HMCN1 protein (p.Tyr3853His). This variant is present in population databases (no rsID available, gnomAD 0.006%). This variant has not been reported in the literature in individuals affected with HMCN1-related conditions. ClinVar contains an entry for this variant (Variation ID: 1940140). An algorithm developed to predict the effect of missense changes on protein structure and function (PolyPhen-2) suggests that this variant is likely to be disruptive. In summary, the available evidence is currently insufficient to determine the role of this variant in disease. Therefore, it has been classified as a Variant of Uncertain Significance.

NM_031935.3(HMCN1):c.11557T>C (p.Tyr3853His)

Gene: HMCN1 (hemicentin 1; plus strand). Cytogenetic location: 1q31.1.
Variant type: single nucleotide variant.
Coding change: c.11557T>C on transcript NM_031935.3 (MANE Select); coding-DNA position 11557, T replaced by C.
Protein change: p.Tyr3853His; replaces tyrosine 3853 with histidine.
Molecular consequence: missense variant.
Genome position (GRCh38, 1-based): chr1:186,115,410, T>C. VCF-style: chr1-186115410-T-C. GRCh37 (hg19) VCF-style: chr1-186084542-T-C.
Other names: short protein forms Y3853H.
Identifiers: ClinVar variation 1940140 (VCV001940140.5), dbSNP rs1231650755, ClinGen allele CA343944313.